The following is an entry in ClinVar:

NM_001127222.2(CACNA1A):c.904G>T (p.Asp302Tyr)

Gene: CACNA1A (calcium voltage-gated channel subunit alpha1 A; minus strand). Cytogenetic location: 19p13.13.
Variant type: single nucleotide variant.
Coding change: c.904G>T on transcript NM_001127222.2 (MANE Select); coding-DNA position 904, G replaced by T.
Protein change: p.Asp302Tyr; replaces aspartic acid 302 with tyrosine.
Molecular consequence: missense variant.
Genome position (GRCh38, 1-based): chr19:13,359,680, C>A on the plus strand (G>T on the coding strand, the complement: CACNA1A is on the minus strand). VCF-style: chr19-13359680-C-A. GRCh37 (hg19) VCF-style: chr19-13470494-C-A.
Other names: c.904G>T, p.Asp302Tyr (NM_000068.4, NM_001127221.2, NM_001174080.2 and 1 more transcripts); short protein forms D302Y.
Identifiers: ClinVar variation 4281819 (VCV004281819.1).

ClinVar aggregate classification (germline): Uncertain significance (1 of 4 stars; one submission).

Submission:

GeneDx
Classification: Uncertain significance. Last evaluated: 2025-04-09. Review status: criteria provided, single submitter. Criteria: GeneDx Variant Classification Process June 2021. Collection method: clinical testing. Allele origin: germline. Affected: yes.
Comment: Not observed at significant frequency in large population cohorts (gnomAD); In silico analysis supports that this missense variant has a deleterious effect on protein structure/function; Has not been previously published as pathogenic or benign to our knowledge